The following is an entry in ClinVar:

NM_025145.7(CFAP43):c.1024G>C (p.Glu342Gln)

Gene: CFAP43 (cilia and flagella associated protein 43; minus strand). Cytogenetic location: 10q25.1.
Variant type: single nucleotide variant.
Coding change: c.1024G>C on transcript NM_025145.7 (MANE Select); coding-DNA position 1024, G replaced by C.
Protein change: p.Glu342Gln; replaces glutamic acid 342 with glutamine.
Molecular consequence: missense variant.
Genome position (GRCh38, 1-based): chr10:104,203,743, C>G on the plus strand (G>C on the coding strand, the complement: CFAP43 is on the minus strand). VCF-style: chr10-104203743-C-G. GRCh37 (hg19) VCF-style: chr10-105963501-C-G.
Other names: NC_000010.10:g.105963501C>G; c.1024G>C (NM_025145.6); short protein forms E342Q.
Identifiers: ClinVar variation 2212482 (VCV002212482.5), dbSNP rs148523587, ClinGen allele CA5681051.
Genomic context (GRCh38, chr10:104,203,743, plus strand): 5'-GAATCAGCAACACTGTATAATTGGGAGAAAATGTCATATGTTCTACAGGTCTTTCAATCT[C>G]AAGAAAATCCTCGATCATGTAACTTCTATCTTTAATAATAAAAGAATACACAAAGCCATC-3'
Protein context (NP_079421.5, residues 332-352): DRSYMIEDFL[Glu342Gln]IERPVEHMTF

ClinVar aggregate classification (germline): Uncertain significance. Review status: criteria provided, multiple submitters, no conflicts (2 of 4 stars). 2 submissions from 2 submitters: Uncertain significance (2). Last evaluated 2026-05-27.

Conditions:
CFAP43-related disorder. Also called: CFAP43-related condition.

Allele frequency attached by ClinVar (database versions not stated): 1000 Genomes Project 0.00060; 1000 Genomes Project 30x 0.00062; ExAC 0.00077; ESP Exome Variant Server 0.00077; gnomAD 0.00086; TOPMed 0.00088; gnomAD exomes 0.00163.
gnomAD v4.1: 2,506 of 1,610,886 alleles (0.16%); highest among the groups gnomAD compares: Non-Finnish European, 0.2%; 3 homozygotes.

Submissions (3):

PreventionGenetics, part of Exact Sciences
Classification: Uncertain significance for CFAP43-related condition. Last evaluated: 2026-05-27. Review status: criteria provided, single submitter. Criteria: ACMG Guidelines, 2015. Collection method: clinical testing. Allele origin: germline.
Comment: The CFAP43 c.1024G>C variant is predicted to result in the amino acid substitution p.Glu342Gln. To our knowledge, this variant has not been reported in the literature. This variant is reported in 0.14% of alleles in individuals of European (Non-Finnish) descent in gnomAD, which is likely too common for an undocumented disease-causing variant. Although we suspect that this variant may be benign, at this time, the clinical significance of this variant is uncertain due to the absence of conclusive functional and genetic evidence.

Ambry Genetics
Classification: Uncertain significance. Last evaluated: 2025-04-28. Review status: criteria provided, single submitter. Criteria: Ambry Variant Classification Scheme 2023. Collection method: clinical testing. Allele origin: germline.

Dr. Peter K. Rogan Lab, Western University
No classification provided (evidence only). Condition: Ovarian serous cystadenocarcinoma. Review status: no classification provided. Collection method: in vitro. Allele origin: not applicable. Functional consequence: retained intron. Not counted in ClinVar's aggregate classification.